The following is an entry in ClinVar:

NM_032790.3(ORAI1):c.446A>G

Gene: ORAI1 (ORAI calcium release-activated calcium modulator 1; plus strand). Cytogenetic location: 12q24.31.
Variant type: single nucleotide variant.
Coding change: c.446A>G on transcript NM_032790.3; coding-DNA position 446, A replaced by G.
Molecular consequence: non-coding transcript variant (on NR_186857.1).
Genome position (GRCh38, 1-based): chr12:121,641,183, A>G. VCF-style: chr12-121641183-A-G. GRCh37 (hg19) VCF-style: chr12-122079089-A-G.
Identifiers: ClinVar variation 5000905 (VCV005000905.1).

ClinVar aggregate classification (germline): Uncertain significance (1 of 4 stars; one submission).

Conditions:
ORAI1-related disorder. Also called: ORAI1-related condition.

Submission:

PreventionGenetics, part of Exact Sciences
Classification: Uncertain significance for ORAI1-related condition. Last evaluated: 2025-12-16. Review status: criteria provided, single submitter. Criteria: ACMG Guidelines, 2015. Collection method: clinical testing. Allele origin: germline.
Comment: The ORAI1 c.446A>G variant is predicted to result in the amino acid substitution p.Asn149Ser. To our knowledge, this variant has not been reported in the literature. This variant is reported in 0.00088% of alleles in individuals of European (Non-Finnish) descent in gnomAD. At this time, the clinical significance of this variant is uncertain due to the absence of conclusive functional and genetic evidence.